The following is an entry in ClinVar:

NM_001458.5(FLNC):c.6773C>T (p.Ser2258Leu)

Genes: FLNC-AS1 (FLNC antisense RNA 1; minus strand), FLNC (filamin C; plus strand). Cytogenetic location: 7q32.1.
Variant type: single nucleotide variant.
Coding change: c.6773C>T on transcript NM_001458.5 (MANE Select); coding-DNA position 6773, C replaced by T.
Protein change: p.Ser2258Leu; replaces serine 2258 with leucine.
Molecular consequence: missense variant.
Genome position (GRCh38, 1-based): chr7:128,854,458, C>T. VCF-style: chr7-128854458-C-T. GRCh37 (hg19) VCF-style: chr7-128494512-C-T.
Other names: c.6773C>T (NM_001458.4); c.6674C>T, p.Ser2225Leu (NM_001127487.2); short protein forms S2225L, S2258L.
Identifiers: ClinVar variation 1362124 (VCV001362124.8), dbSNP rs762051422, ClinGen allele CA4476086.

ClinVar aggregate classification (germline): Conflicting classifications of pathogenicity. Review status: criteria provided, conflicting classifications (1 of 4 stars). 3 submissions from 3 submitters: Uncertain significance (2); Likely benign (1). Last evaluated 2025-02-13.

Conditions:
Distal myopathy with posterior leg and anterior hand involvement. Also called: WILLIAMS DISTAL MYOPATHY. Identifiers: Orphanet 63273, MedGen C3279722, MONDO:0013550, OMIM 614065.
Myofibrillar myopathy 5. Also called: Filaminopathy (type); FILAMINOPATHY, AUTOSOMAL DOMINANT. Identifiers: Orphanet 171445, MedGen C1836050, MONDO:0012289, OMIM 609524.
Hypertrophic cardiomyopathy 26. Also called: Cardiomyopathy, familial hypertrophic, 26. Identifiers: Orphanet 75249, MedGen C4310749, MONDO:0014883, OMIM 617047.
Cardiomyopathy (CMYO). Also called: Cardiomyopathies. Identifiers: Orphanet 167848, MedGen C0878544, MONDO:0004994, HP:0001638. Inheritance: Various modes of inheritance.

Allele frequency attached by ClinVar (database versions not stated): ExAC 0.00001; gnomAD exomes 0.00001 and 0.00002; TOPMed 0.00001.

Submissions (3):

Labcorp Genetics (formerly Invitae), Labcorp
Classification: Likely benign for Distal myopathy with posterior leg and anterior hand involvement; Myofibrillar myopathy 5; Hypertrophic cardiomyopathy 26. Last evaluated: 2025-02-13. Review status: criteria provided, single submitter. Criteria: Invitae Variant Classification Sherloc (09022015). Collection method: clinical testing. Allele origin: germline.

GeneDx
Classification: Uncertain significance. Last evaluated: 2024-04-29. Review status: criteria provided, single submitter. Criteria: GeneDx Variant Classification Process June 2021. Collection method: clinical testing. Allele origin: germline. Affected: yes.
Comment: Not observed at significant frequency in large population cohorts (gnomAD); In silico analysis supports that this missense variant has a deleterious effect on protein structure/function; Has not been previously published as pathogenic or benign to our knowledge

CHEO Genetics Diagnostic Laboratory, Children's Hospital of Eastern Ontario
Classification: Uncertain significance for Cardiomyopathy. Last evaluated: 2022-03-10. Review status: criteria provided, single submitter. Criteria: ACMG Guidelines, 2015. Collection method: clinical testing. Allele origin: germline.